The following is an entry in ClinVar:

ClinVar aggregate classification (germline): Pathogenic (1 of 4 stars; one submission).

Conditions:
Hereditary cancer-predisposing syndrome. Also called: Neoplastic Syndromes, Hereditary; Tumor predisposition; Hereditary Cancer Syndrome; Hereditary neoplastic syndrome. Identifiers: Orphanet 140162, MedGen C0027672, MeSH D009386, MONDO:0015356.

Submission:

Ambry Genetics
Classification: Pathogenic for Hereditary cancer-predisposing syndrome. Last evaluated: 2020-06-30. Review status: criteria provided, single submitter. Criteria: Ambry Variant Classification Scheme 2023. Collection method: clinical testing. Allele origin: germline.
Comment: The c.3759_3777del19 pathogenic mutation, located in coding exon 8 of the MSH6 gene, results from a deletion of 19 nucleotides at nucleotide positions 3759 to 3777, causing a translational frameshift with a predicted alternate stop codon (p.E1254Lfs*5). This alteration is expected to result in loss of function by premature protein truncation or nonsense-mediated mRNA decay. As such, this alteration is interpreted as a disease-causing mutation.

Literature cited by the submitters: PubMed 24728189.

NM_000179.3(MSH6):c.3759_3777del (p.Glu1254fs)

Gene: MSH6 (mutS homolog 6; plus strand). Cytogenetic location: 2p16.3.
Variant type: Deletion.
Coding change: c.3759_3777del on transcript NM_000179.3 (MANE Select); coding-DNA positions 3759 to 3777, 19 bases deleted (AGAAGATTATTCTCAAAAT).
Protein change: p.Glu1254fs; shifts the reading frame from glutamic acid 1254.
Molecular consequence: frameshift variant.
Genome position (GRCh38, 1-based): chr2:47,806,316-47,806,334, AGAAGATTATTCTCAAAAT deleted; deleting any 19 consecutive bases within chr2:47,806,315-47,806,334 gives the same sequence; the c. name uses the placement nearest the transcript's 3' end. VCF-style (leftmost placement, unchanged base first): chr2-47806314-GTAGAAGATTATTCTCAAAA-G. GRCh37 (hg19) VCF-style: chr2-48033453-GTAGAAGATTATTCTCAAAA-G.
Other names: c.3234_3252del19, p.Glu1079Leufs (NM_001406799.1, NM_001406806.1, NM_001406807.1); c.2895_2913del19, p.Glu966Leufs (NM_001406803.1); c.3681_3699del19, p.Glu1228Leufs (NM_001406804.1); c.2853_2871del19, p.Glu952Leufs (NM_001406811.1, NM_001406812.1, NM_001406814.1 and 4 more transcripts); c.3462_3480del19, p.Glu1155Leufs (NM_001406805.1, NM_001406801.1, NM_001406797.1 and 10 more transcripts); c.3759_3777del19, p.Glu1254Leufs (NM_001406808.1, NM_001406809.1, NM_001406800.1 and 1 more transcripts); c.3855_3873del19, p.Glu1286Leufs (NM_001406802.1, NM_001406795.1); c.3369_3387del, p.Glu1124fs (NM_001281492.2); and 8 more; short protein forms E952fs, E1254fs, E1124fs.
Identifiers: ClinVar variation 1734618 (VCV001734618.2), dbSNP rs2530846433, ClinGen allele CA2580067320.